The following is an entry in ClinVar:

ClinVar aggregate classification (germline): Conflicting classifications of pathogenicity. Review status: criteria provided, conflicting classifications (1 of 4 stars). 11 submissions from 11 submitters: Uncertain significance (9); Likely benign (1). 1 of the submissions does not count toward it. Last evaluated 2025-12-08.

Conditions:
Hereditary cancer-predisposing syndrome. Also called: Neoplastic Syndromes, Hereditary; Tumor predisposition; Hereditary Cancer Syndrome; Hereditary neoplastic syndrome. Identifiers: Orphanet 140162, MedGen C0027672, MeSH D009386, MONDO:0015356.
Breast-ovarian cancer, familial, susceptibility to, 4. Identifiers: Orphanet 145, MedGen C3280345, MONDO:0013669, OMIM 614291.

Allele frequency attached by ClinVar (database versions not stated): gnomAD 0.00001; TOPMed 0.00001; gnomAD exomes 0.00002 and 0.00003; ExAC 0.00003; 1000 Genomes Project 30x 0.00031; 1000 Genomes Project 0.00040.
gnomAD v4.1: 24 of 1,612,784 alleles (0.0015%); highest among the groups gnomAD compares: South Asian, 0.026%; no homozygotes.

Submissions (11):

Labcorp Genetics (formerly Invitae), Labcorp
Classification: Uncertain significance for Breast-ovarian cancer, familial, susceptibility to, 4. Last evaluated: 2025-12-08. Review status: criteria provided, single submitter. Criteria: Invitae Variant Classification Sherloc (09022015). Collection method: clinical testing. Allele origin: germline.
Comment: This sequence change replaces glutamine, which is neutral and polar, with arginine, which is basic and polar, at codon 18 of the RAD51D protein (p.Gln18Arg). This variant is present in population databases (rs546225564, gnomAD 0.02%). This variant has not been reported in the literature in individuals affected with RAD51D-related conditions. ClinVar contains an entry for this variant (Variation ID: 232535). An algorithm developed to predict the effect of missense changes on protein structure and function (PolyPhen-2) suggests that this variant is likely to be tolerated. In summary, the available evidence is currently insufficient to determine the role of this variant in disease. Therefore, it has been classified as a Variant of Uncertain Significance.

GeneDx
Classification: Uncertain significance. Last evaluated: 2024-09-04. Review status: criteria provided, single submitter. Criteria: GeneDx Variant Classification Process June 2021. Collection method: clinical testing. Allele origin: germline. Affected: yes.
Comment: In silico analysis indicates that this missense variant does not alter protein structure/function; Observed in a pancreatic cancer patient (PMID: 35171259); This variant is associated with the following publications: (PMID: 21111057, 33309985, 36243179, 35171259)

Ambry Genetics
Classification: Likely benign for Hereditary cancer-predisposing syndrome. Last evaluated: 2024-01-02. Review status: criteria provided, single submitter. Criteria: Ambry Variant Classification Scheme 2023. Collection method: clinical testing. Allele origin: germline.

Baylor Genetics
Classification: Uncertain significance for Breast-ovarian cancer, familial, susceptibility to, 4. Last evaluated: 2023-10-12. Review status: criteria provided, single submitter. Criteria: ACMG Guidelines, 2015. Collection method: clinical testing. Allele origin: unknown.

Myriad Genetics, Inc.
Classification: Uncertain significance for Breast-ovarian cancer, familial, susceptibility to, 4. Last evaluated: 2023-04-06. Review status: criteria provided, single submitter. Criteria: Myriad Autosomal Dominant, Autosomal Recessive and X-Linked Classification Criteria (2023). Collection method: clinical testing. Allele origin: unknown.
Comment: This variant is classified as a variant of uncertain significance as there is insufficient evidence to determine its impact on protein function and/or cancer risk.

Color Diagnostics, LLC DBA Color Health
Classification: Uncertain significance for Hereditary cancer-predisposing syndrome. Last evaluated: 2022-11-22. Review status: criteria provided, single submitter. Criteria: ACMG Guidelines, 2015. Collection method: clinical testing. Allele origin: germline.
Comment: This missense variant replaces glutamine with arginine at codon 18 of the RAD51D protein. Computational prediction suggests that this variant may not impact protein structure and function (internally defined REVEL score threshold <= 0.5, PMID: 27666373). To our knowledge, functional studies have not been reported for this variant. This variant has not been reported in individuals affected with RAD51D-related disorders in the literature. This variant has been identified in 7/247676 chromosomes in the general population by the Genome Aggregation Database (gnomAD). The available evidence is insufficient to determine the role of this variant in disease conclusively. Therefore, this variant is classified as a Variant of Uncertain Significance.

Sema4
Classification: Uncertain significance for Hereditary cancer-predisposing syndrome. Last evaluated: 2021-09-15. Review status: criteria provided, single submitter. Criteria: Sema4 Curation Guidelines. Collection method: curation. Allele origin: germline.
Comment: The RAD51D c.53A>G (p.Q18R) variant has not been reported in the literature to our knowledge. It was observed in 7/30608 chromosomes of the South Asian subpopulation in the large and broad cohorts of the Genome Aggregation Database (PMID: 32461654). The variant has been reported in ClinVar (Variation ID 232535). In silico tools suggest the impact of the variant on protein function is benign, though these predictions have not been confirmed by functional studies. The evidence is insufficient to meet ACMG/AMP criteria for classifying the variant as benign or pathogenic. Thus, the clinical significance of this variant is currently uncertain.

Department of Pathology and Laboratory Medicine, Sinai Health System
Classification: Uncertain significance for Breast-ovarian cancer, familial, susceptibility to, 4. Last evaluated: 2020-09-01. Review status: criteria provided, single submitter. Criteria: ACMG Guidelines, 2015. Collection method: research. Allele origin: germline.

Quest Diagnostics Nichols Institute San Juan Capistrano
Classification: Uncertain significance. Last evaluated: 2018-01-09. Review status: criteria provided, single submitter. Criteria: Quest Diagnostics criteria. Collection method: clinical testing. Allele origin: unknown.

Women's Health and Genetics/Laboratory Corporation of America, LabCorp
Classification: Uncertain significance. Last evaluated: 2017-10-31. Review status: criteria provided, single submitter. Criteria: LabCorp Variant Classification Summary - May 2015. Collection method: clinical testing. Allele origin: germline.
Comment: Variant summary: The RAD51D c.53A>G (p.Gln18Arg) variant involves the alteration of a non-conserved nucleotide. 3/3 in silico tools predict a benign outcome for this variant (SNPsandGO not captured due to low reliability index). This variant was found in 7/242658 control chromosomes, predominantly observed in the South Asian subpopulation at a frequency of 0.000227 (7/30774). This frequency is about 2 times higher than the estimated maximal expected allele frequency of a pathogenic RAD51D variant (0.000125), which might suggest that this is likely a benign polymorphism found primarily in the populations of South Asian origin. The variant of interest has not, to our knowledge, been reported in affected individuals via publications nor evaluated for functional impact by in vivo/vitro studies. In addition, multiple clinical diagnostic laboratories/reputable databases classified this variant as uncertain significance. Because of the absence of clinical information and the lack of functional studies, the variant is classified as a variant of uncertain significance (VUS) until additional information becomes available.

Counsyl
Classification: Uncertain significance for Breast-ovarian cancer, familial, susceptibility to, 4. Last evaluated: 2016-11-02. Review status: no assertion criteria provided. Collection method: clinical testing. Allele origin: unknown. Not counted in ClinVar's aggregate classification.

Literature cited by the submitters: PubMed 33309985 (cited by Ambry Genetics); PubMed 35171259 (cited by Ambry Genetics); PubMed 36243179 (cited by Ambry Genetics).

NM_002878.4(RAD51D):c.53A>G (p.Gln18Arg)

Genes: RAD51L3-RFFL (RAD51L3-RFFL readthrough; minus strand), RAD51D (RAD51 paralog D; minus strand). Cytogenetic location: 17q12.
Variant type: single nucleotide variant.
Coding change: c.53A>G on transcript NM_002878.4 (MANE Select); coding-DNA position 53, A replaced by G.
Protein change: p.Gln18Arg; replaces glutamine 18 with arginine.
Molecular consequence: missense variant. On other transcripts: non-coding transcript variant (2).
Genome position (GRCh38, 1-based): chr17:35,119,561, T>C on the plus strand (A>G on the coding strand, the complement: RAD51D is on the minus strand). VCF-style: chr17-35119561-T-C. GRCh37 (hg19) VCF-style: chr17-33446580-T-C.
Other names: c.53A>G, p.Gln18Arg (NM_001142571.2, NM_133629.3); short protein forms Q18R.
Identifiers: ClinVar variation 232535 (VCV000232535.30), dbSNP rs546225564, ClinGen allele CA8499700.
Genomic context (GRCh38, chr17:35,119,561, plus strand): 5'-GCGGCTCCCTGGCACGCGCACACCCGGTCACCTGTCTTGATCCTGTGGCTCCTGAGAAGC[T>C]GGATCATCTCCTCGGTAAGGCCAGGGCACAGTCCGACCCTGAGCACGCCCATGTTCCCCG-3'
Protein context (NP_002869.3, residues 8-28): LCPGLTEEMI[Gln18Arg]LLRSHRIKTV